The following is an entry in ClinVar:

ClinVar aggregate classification (germline): Likely pathogenic (1 of 4 stars; one submission).

Allele frequency attached by ClinVar (database versions not stated): gnomAD exomes below 0.00001.
gnomAD v4.1: 1 of 1,614,064 alleles (0.000062%); highest among the groups gnomAD compares: East Asian, 0.0022%; no homozygotes.

Submission:

GeneDx
Classification: Likely pathogenic. Last evaluated: 2015-03-26. Review status: criteria provided, single submitter. Criteria: GeneDx Variant Classification (06012015). Collection method: clinical testing. Allele origin: germline. Affected: yes.
Comment: The R695W variant in the ADCY5 gene has not been published as a pathogenic variant, nor has it been reported as a benign polymorphism to our knowledge. The R695W variant was not observed in approximately 6,500 individuals of European and African American ancestry in the NHLBI Exome Sequencing Project, indicating it is not a common benign variant in these populations. The R695W variant is a non-conservative amino acid substitution, which is likely to impact secondary protein structure as these residues differ in polarity, charge, size and/or other properties. This substitution occurs at a position that is well conserved across species. In silico analysis is inconsistent in its predictions as to whether or not the variant is damaging to the protein structure/function. The R695W variant is a strong candidate for a pathogenic variant, however, the possibility it may be a rare benign variant cannot be excluded.

NM_183357.3(ADCY5):c.2083C>T (p.Arg695Trp)

Gene: ADCY5 (adenylate cyclase 5; minus strand). Cytogenetic location: 3q21.1.
Variant type: single nucleotide variant.
Coding change: c.2083C>T on transcript NM_183357.3 (MANE Select); coding-DNA position 2083, C replaced by T.
Protein change: p.Arg695Trp; replaces arginine 695 with tryptophan.
Molecular consequence: missense variant.
Genome position (GRCh38, 1-based): chr3:123,325,327, G>A on the plus strand (C>T on the coding strand, the complement: ADCY5 is on the minus strand). VCF-style: chr3-123325327-G-A. GRCh37 (hg19) VCF-style: chr3-123044174-G-A.
Other names: c.1033C>T, p.Arg345Trp (NM_001199642.1); c.2083C>T, p.Arg695Trp (NM_001378259.1); short protein forms R695W, R345W.
Identifiers: ClinVar variation 377449 (VCV000377449.2), dbSNP rs1057520218, ClinGen allele CA16604794.
Genomic context (GRCh38, chr3:123,325,327, plus strand): 5'-AGAAGGCCCTAGCCTTGGAGAGTGTTGCCCACAGGCTGCCCCACCAGCCACTCACCATCC[G>A]CTTCATCTCCTTGGACACCTGGTTGCCACCCAGGTGGTTGTAGAAGGGGCGCTCAGCCCC-3'
Protein context (NP_899200.1, residues 685-705): GGNQVSKEMK[Arg695Trp]MGFEDPKDKN